The following is an entry in ClinVar:

NM_012398.3(PIP5K1C):c.543C>T (p.Ser181=)

Gene: PIP5K1C (phosphatidylinositol-4-phosphate 5-kinase type 1 gamma; minus strand). Cytogenetic location: 19p13.3.
Variant type: single nucleotide variant.
Coding change: c.543C>T on transcript NM_012398.3 (MANE Select); coding-DNA position 543, C replaced by T.
Protein change: p.Ser181=; no amino-acid change (serine 181 retained).
Molecular consequence: synonymous variant.
Genome position (GRCh38, 1-based): chr19:3,656,483, G>A on the plus strand (C>T on the coding strand, the complement: PIP5K1C is on the minus strand). VCF-style: chr19-3656483-G-A. GRCh37 (hg19) VCF-style: chr19-3656481-G-A.
Other names: c.543C>T, p.Ser181= (NM_001195733.2, NM_001300849.2).
Identifiers: ClinVar variation 3035643 (VCV003035643.2), dbSNP rs753674329, ClinGen allele CA9082636.

ClinVar aggregate classification (germline): Likely benign (0 of 4 stars; one submission).

Conditions:
PIP5K1C-related disorder. Also called: PIP5K1C-related condition.

Allele frequency attached by ClinVar (database versions not stated): gnomAD exomes 0.00001; ExAC 0.00002.
gnomAD v4.1: 12 of 1,613,676 alleles (0.00074%); highest among the groups gnomAD compares: Admixed American, 0.013%; no homozygotes.

Submission:

PreventionGenetics, part of Exact Sciences
Classification: Likely benign for PIP5K1C-related condition. Last evaluated: 2019-08-09. Review status: no assertion criteria provided. Collection method: clinical testing. Allele origin: germline.
Comment: This variant is classified as likely benign based on ACMG/AMP sequence variant interpretation guidelines (Richards et al. 2015 PMID: 25741868, with internal and published modifications).